The following is an entry in ClinVar:

ClinVar aggregate classification (germline): Uncertain significance. Review status: criteria provided, multiple submitters, no conflicts (2 of 4 stars). 2 submissions from 2 submitters: Uncertain significance (2). Last evaluated 2024-08-07.

Conditions:
Familial sleep-related hypermotor epilepsy. Also called: Autosomal Dominant Sleep-Related Hypermotor (Hyperkinetic) Epilepsy. Identifiers: Orphanet 98784, MedGen C3696898, MONDO:0000030.
CHRNA4-related disorder. Also called: CHRNA4-related condition.

gnomAD v4.1: 4 of 1,614,070 alleles (0.00025%); highest among the groups gnomAD compares: Non-Finnish European, 0.00034%; no homozygotes.

Submissions (2):

Labcorp Genetics (formerly Invitae), Labcorp
Classification: Uncertain significance. Last evaluated: 2024-08-07. Review status: criteria provided, single submitter. Criteria: Invitae Variant Classification Sherloc (09022015). Collection method: clinical testing. Allele origin: germline.
Comment: This sequence change replaces serine, which is neutral and polar, with phenylalanine, which is neutral and non-polar, at codon 258 of the CHRNA4 protein (p.Ser258Phe). This variant is not present in population databases (gnomAD no frequency). This variant has not been reported in the literature in individuals affected with CHRNA4-related conditions. ClinVar contains an entry for this variant (Variation ID: 2631100). Advanced modeling of protein sequence and biophysical properties (such as structural, functional, and spatial information, amino acid conservation, physicochemical variation, residue mobility, and thermodynamic stability) performed at Invitae indicates that this missense variant is expected to disrupt CHRNA4 protein function with a positive predictive value of 80%. In summary, the available evidence is currently insufficient to determine the role of this variant in disease. Therefore, it has been classified as a Variant of Uncertain Significance.

PreventionGenetics, part of Exact Sciences
Classification: Uncertain significance for CHRNA4-related condition. Last evaluated: 2023-09-21. Review status: criteria provided, single submitter. Criteria: ACMG Guidelines, 2015. Collection method: clinical testing. Allele origin: germline.
Comment: The CHRNA4 c.773C>T variant is predicted to result in the amino acid substitution p.Ser258Phe. To our knowledge, this variant has not been reported in the literature or in a large population database, indicating this variant is rare. At this time, the clinical significance of this variant is uncertain due to the absence of conclusive functional and genetic evidence.

NM_000744.7(CHRNA4):c.773C>T (p.Ser258Phe)

Gene: CHRNA4 (cholinergic receptor nicotinic alpha 4 subunit; minus strand). Cytogenetic location: 20q13.33.
Variant type: single nucleotide variant.
Coding change: c.773C>T on transcript NM_000744.7 (MANE Select); coding-DNA position 773, C replaced by T.
Protein change: p.Ser258Phe; replaces serine 258 with phenylalanine.
Molecular consequence: missense variant. On other transcripts: non-coding transcript variant (1).
Genome position (GRCh38, 1-based): chr20:63,350,638, G>A on the plus strand (C>T on the coding strand, the complement: CHRNA4 is on the minus strand). VCF-style: chr20-63350638-G-A. GRCh37 (hg19) VCF-style: chr20-61981990-G-A.
Other names: c.245C>T, p.Ser82Phe (NM_001256573.2); short protein forms S258F, S82F.
Identifiers: ClinVar variation 2631100 (VCV002631100.3), dbSNP rs1306570893, ClinGen allele CA409636792.